The following is an entry in ClinVar:

NM_022124.6(CDH23):c.1185C>T (p.Ser395=)

Gene: CDH23 (cadherin related 23; plus strand). Cytogenetic location: 10q22.1.
Variant type: single nucleotide variant.
Coding change: c.1185C>T on transcript NM_022124.6 (MANE Select); coding-DNA position 1185, C replaced by T.
Protein change: p.Ser395=; no amino-acid change (serine 395 retained).
Molecular consequence: synonymous variant.
Genome position (GRCh38, 1-based): chr10:71,645,875, C>T. VCF-style: chr10-71645875-C-T. GRCh37 (hg19) VCF-style: chr10-73405632-C-T.
Other names: c.1185C>T, p.Ser395= (NM_001171930.2, NM_001171931.2, NM_052836.4).
Identifiers: ClinVar variation 45863 (VCV000045863.46), dbSNP rs185105210, ClinGen allele CA137261.

ClinVar aggregate classification (germline): Conflicting classifications of pathogenicity. Review status: criteria provided, conflicting classifications (1 of 4 stars). 7 submissions from 7 submitters: Uncertain significance (1); Likely benign (5). 1 of the submissions does not count toward it. Last evaluated 2026-01-26.

Conditions:
CDH23-related disorder. Also called: CDH23-related condition; CDH23-related disorders.

Allele frequency attached by ClinVar (database versions not stated): gnomAD exomes 0.00009 and 0.00017; ESP Exome Variant Server 0.00016; ExAC 0.00020; gnomAD 0.00062 and 0.00063; TOPMed 0.00083; 1000 Genomes Project 30x 0.00109; 1000 Genomes Project 0.00120.
gnomAD v4.1: 260 of 1,613,460 alleles (0.016%); highest among the groups gnomAD compares: African/African-American, 0.21%; 2 homozygotes.

Submissions (7):

Labcorp Genetics (formerly Invitae), Labcorp
Classification: Likely benign. Last evaluated: 2026-01-26. Review status: criteria provided, single submitter. Criteria: Invitae Variant Classification Sherloc (09022015). Collection method: clinical testing. Allele origin: germline.

Blueprint Genetics
Classification: Likely benign. Last evaluated: 2024-06-28. Review status: criteria provided, single submitter. Criteria: ACMG Guidelines, 2015. Collection method: clinical testing. Allele origin: germline.

CeGaT Center for Human Genetics Tuebingen
Classification: Likely benign. Last evaluated: 2022-10-01. Review status: criteria provided, single submitter. Criteria: CeGaT Center For Human Genetics Tuebingen Variant Classification Criteria Version 2. Collection method: clinical testing. Allele origin: germline. Affected: yes. Observed: 1 variant allele.
Comment: CDH23: BP4, BP7

GeneDx
Classification: Likely benign. Last evaluated: 2020-08-11. Review status: criteria provided, single submitter. Criteria: GeneDx Variant Classification Process June 2021. Collection method: clinical testing. Allele origin: germline. Affected: yes.
Comment: This variant is associated with the following publications: (PMID: 18429043)

Eurofins Ntd Llc (ga)
Classification: Uncertain significance. Last evaluated: 2016-11-11. Review status: criteria provided, single submitter. Criteria: EGL Classification Definitions 2015. Collection method: clinical testing. Allele origin: germline. Observed: 3 variant alleles, 3 heterozygotes.

Laboratory for Molecular Medicine, Mass General Brigham Personalized Medicine
Classification: Likely benign. Last evaluated: 2011-07-07. Review status: criteria provided, single submitter. Criteria: LMM Criteria. Collection method: clinical testing. Allele origin: germline. Observed: 3 variant alleles.
Comment: p.Ser395Ser in exon 13 of CDH23: This variant is not expected to have clinical s ignificance because it does not alter an amino acid residue, is not located near a splice junction and has been identified in 0.2% (19/9594) of African chromoso mes by the Exome Aggregation Consortium (rs185105210). In addition, this variant is listed as presumed neutral in one publication (Oshima 2008).

PreventionGenetics, part of Exact Sciences
Classification: Likely benign for CDH23-related condition. Last evaluated: 2024-08-16. Review status: no assertion criteria provided. Collection method: clinical testing. Allele origin: germline. Not counted in ClinVar's aggregate classification.
Comment: This variant is classified as likely benign based on ACMG/AMP sequence variant interpretation guidelines (Richards et al. 2015 PMID: 25741868, with internal and published modifications).

Literature cited by the submitters: PubMed 18429043 (cited by Laboratory for Molecular Medicine, Mass General Brigham Personalized Medicine).